The following is an entry in ClinVar:

ClinVar aggregate classification (germline): Conflicting classifications of pathogenicity. Review status: criteria provided, conflicting classifications (1 of 4 stars). 5 submissions from 5 submitters: Uncertain significance (4); Likely benign (1). Last evaluated 2025-12-09.

Conditions:
Inborn genetic diseases. Identifiers: MedGen C0950123, MeSH D030342.

Allele frequency attached by ClinVar (database versions not stated): gnomAD exomes 0.00008; ExAC 0.00012; ESP Exome Variant Server 0.00023; gnomAD 0.00037 and 0.00041; TOPMed 0.00040.
gnomAD v4.1: 107 of 1,611,722 alleles (0.0066%); highest among the groups gnomAD compares: African/African-American, 0.12%; no homozygotes.

Submissions (5):

Labcorp Genetics (formerly Invitae), Labcorp
Classification: Likely benign. Last evaluated: 2025-12-09. Review status: criteria provided, single submitter. Criteria: Invitae Variant Classification Sherloc (09022015). Collection method: clinical testing. Allele origin: germline.

Ambry Genetics
Classification: Uncertain significance for Inborn genetic diseases. Last evaluated: 2024-08-12. Review status: criteria provided, single submitter. Criteria: Ambry Variant Classification Scheme 2023. Collection method: clinical testing. Allele origin: germline.

Women's Health and Genetics/Laboratory Corporation of America, LabCorp
Classification: Uncertain significance. Last evaluated: 2024-06-28. Review status: criteria provided, single submitter. Criteria: LabCorp Variant Classification Summary - May 2015. Collection method: clinical testing. Allele origin: germline.
Comment: Variant summary: COL27A1 c.364C>T (p.Arg122Cys) results in a non-conservative amino acid change in the encoded protein sequence. Three of five in-silico tools predict a benign effect of the variant on protein function. The variant allele was found at a frequency of 8e-05 in 248798 control chromosomes. This frequency is not significantly higher than estimated for a pathogenic variant in COL27A1 causing Steel syndrome, allowing no conclusion about variant significance. To our knowledge, no occurrence of c.364C>T in individuals affected with Steel syndrome and no experimental evidence demonstrating its impact on protein function have been reported. ClinVar contains an entry for this variant (Variation ID: 500322). Based on the evidence outlined above, the variant was classified as uncertain significance.

GeneDx
Classification: Uncertain significance. Last evaluated: 2023-06-20. Review status: criteria provided, single submitter. Criteria: GeneDx Variant Classification Process June 2021. Collection method: clinical testing. Allele origin: germline. Affected: yes.
Comment: In silico analysis supports that this missense variant has a deleterious effect on protein structure/function; Has not been previously published as pathogenic or benign germline variant to our knowledge; This variant is associated with the following publications: (PMID: 28539123)

Eurofins Ntd Llc (ga)
Classification: Uncertain significance. Last evaluated: 2017-02-02. Review status: criteria provided, single submitter. Criteria: EGL Classification Definitions 2015. Collection method: clinical testing. Allele origin: germline. Observed: 1 variant allele, 1 heterozygote.

NM_032888.4(COL27A1):c.364C>T (p.Arg122Cys)

Gene: COL27A1 (collagen type XXVII alpha 1 chain; plus strand). Cytogenetic location: 9q32.
Variant type: single nucleotide variant.
Coding change: c.364C>T on transcript NM_032888.4 (MANE Select); coding-DNA position 364, C replaced by T.
Protein change: p.Arg122Cys; replaces arginine 122 with cysteine.
Molecular consequence: missense variant.
Genome position (GRCh38, 1-based): chr9:114,167,919, C>T. VCF-style: chr9-114167919-C-T. GRCh37 (hg19) VCF-style: chr9-116930199-C-T.
Other names: c.364C>T (NM_032888.2); short protein forms R122C.
Identifiers: ClinVar variation 500322 (VCV000500322.15), dbSNP rs372265305, ClinGen allele CA5201128.